The following is an entry in ClinVar:

NM_022124.6(CDH23):c.1427G>C (p.Gly476Ala)

Gene: CDH23 (cadherin related 23; plus strand). Cytogenetic location: 10q22.1.
Variant type: single nucleotide variant.
Coding change: c.1427G>C on transcript NM_022124.6 (MANE Select); coding-DNA position 1427, G replaced by C.
Protein change: p.Gly476Ala; replaces glycine 476 with alanine.
Molecular consequence: missense variant.
Genome position (GRCh38, 1-based): chr10:71,646,595, G>C. VCF-style: chr10-71646595-G-C. GRCh37 (hg19) VCF-style: chr10-73406352-G-C.
Other names: c.1427G>C, p.Gly476Ala (NM_001171930.2, NM_001171931.2, NM_052836.4); c.1427G>C (NM_022124.5); short protein forms G476A.
Identifiers: ClinVar variation 2169963 (VCV002169963.2), dbSNP rs942937952, ClinGen allele CA209443109.

ClinVar aggregate classification (germline): Uncertain significance. Review status: criteria provided, multiple submitters, no conflicts (2 of 4 stars). 2 submissions from 2 submitters: Uncertain significance (2). Last evaluated 2025-11-24.

Conditions:
Inborn genetic diseases. Identifiers: MedGen C0950123, MeSH D030342.

Allele frequency attached by ClinVar (database versions not stated): gnomAD 0.00002; TOPMed 0.00003.
gnomAD v4.1: 3 of 1,613,890 alleles (0.00019%); highest among the groups gnomAD compares: Admixed American, 0.005%; no homozygotes.

Submissions (2):

Ambry Genetics
Classification: Uncertain significance for Inborn genetic diseases. Last evaluated: 2025-11-24. Review status: criteria provided, single submitter. Criteria: Ambry Variant Classification Scheme 2023. Collection method: clinical testing. Allele origin: germline.

Labcorp Genetics (formerly Invitae), Labcorp
Classification: Uncertain significance. Last evaluated: 2022-08-19. Review status: criteria provided, single submitter. Criteria: Invitae Variant Classification Sherloc (09022015). Collection method: clinical testing. Allele origin: germline.
Comment: This sequence change replaces glycine, which is neutral and non-polar, with alanine, which is neutral and non-polar, at codon 476 of the CDH23 protein (p.Gly476Ala). This variant is not present in population databases (gnomAD no frequency). This variant has not been reported in the literature in individuals affected with CDH23-related conditions. Algorithms developed to predict the effect of missense changes on protein structure and function are either unavailable or do not agree on the potential impact of this missense change (SIFT: "Deleterious"; PolyPhen-2: "Not Available"; Align-GVGD: "Class C55"). In summary, the available evidence is currently insufficient to determine the role of this variant in disease. Therefore, it has been classified as a Variant of Uncertain Significance.